The following is an entry in ClinVar:

NM_020928.2(ZSWIM6):c.2458C>T (p.Arg820Cys)

Gene: ZSWIM6 (zinc finger SWIM-type containing 6; plus strand). Cytogenetic location: 5q12.1.
Variant type: single nucleotide variant.
Coding change: c.2458C>T on transcript NM_020928.2 (MANE Select); coding-DNA position 2458, C replaced by T.
Protein change: p.Arg820Cys; replaces arginine 820 with cysteine.
Molecular consequence: missense variant.
Genome position (GRCh38, 1-based): chr5:61,538,890, C>T. VCF-style: chr5-61538890-C-T. GRCh37 (hg19) VCF-style: chr5-60834717-C-T.
Other names: short protein forms R820C.
Identifiers: ClinVar variation 1961957 (VCV001961957.5), dbSNP rs1469059801, ClinGen allele CA359945389.

ClinVar aggregate classification (germline): Uncertain significance (1 of 4 stars; one submission).

Allele frequency attached by ClinVar (database versions not stated): gnomAD exomes below 0.00001; TOPMed below 0.00001.
gnomAD v4.1: 2 of 1,552,268 alleles (0.00013%); highest among the groups gnomAD compares: Non-Finnish European, 0.00017%; no homozygotes.

Submission:

Labcorp Genetics (formerly Invitae), Labcorp
Classification: Uncertain significance. Last evaluated: 2022-03-15. Review status: criteria provided, single submitter. Criteria: Invitae Variant Classification Sherloc (09022015). Collection method: clinical testing. Allele origin: germline.
Comment: In summary, the available evidence is currently insufficient to determine the role of this variant in disease. Therefore, it has been classified as a Variant of Uncertain Significance. Algorithms developed to predict the effect of missense changes on protein structure and function are either unavailable or do not agree on the potential impact of this missense change (SIFT: "Deleterious"; PolyPhen-2: "Probably Damaging"; Align-GVGD: "Class C0"). This variant has not been reported in the literature in individuals affected with ZSWIM6-related conditions. This variant is not present in population databases (gnomAD no frequency). This sequence change replaces arginine, which is basic and polar, with cysteine, which is neutral and slightly polar, at codon 820 of the ZSWIM6 protein (p.Arg820Cys).